The following is an entry in ClinVar:

ClinVar aggregate classification (germline): Uncertain significance (1 of 4 stars; one submission).

Conditions:
Hereditary cancer-predisposing syndrome. Also called: Neoplastic Syndromes, Hereditary; Tumor predisposition; Hereditary Cancer Syndrome; Hereditary neoplastic syndrome. Identifiers: Orphanet 140162, MedGen C0027672, MeSH D009386, MONDO:0015356.

gnomAD v4.1: 1 of 1,499,004 alleles (0.000067%); highest among the groups gnomAD compares: Non-Finnish European, 0.000093%; no homozygotes.

Submission:

Ambry Genetics
Classification: Uncertain significance for Hereditary cancer-predisposing syndrome. Last evaluated: 2025-07-11. Review status: criteria provided, single submitter. Criteria: Ambry Variant Classification Scheme 2023. Collection method: clinical testing. Allele origin: germline.
Comment: The c.424-3C>T intronic variant results from a C to T substitution 3 nucleotides upstream from coding exon 5 in the SDHB gene. This nucleotide position is well conserved in available vertebrate species. In silico splice site analysis predicts that this alteration will not have any significant effect on splicing. Based on the available evidence, the clinical significance of this variant remains unclear.

NM_003000.3(SDHB):c.424-3C>T

Gene: SDHB (succinate dehydrogenase complex iron sulfur subunit B; minus strand). Cytogenetic location: 1p36.13.
Variant type: single nucleotide variant.
Coding change: c.424-3C>T on transcript NM_003000.3 (MANE Select); 3 bases into the intron before coding-DNA position 424, C replaced by T.
Molecular consequence: intron variant.
Genome position (GRCh38, 1-based): chr1:17,027,868, G>A on the plus strand (C>T on the coding strand, the complement: SDHB is on the minus strand). VCF-style: chr1-17027868-G-A. GRCh37 (hg19) VCF-style: chr1-17354363-G-A.
Other names: c.370-3C>T (NM_001407361.1).
Identifiers: ClinVar variation 4161242 (VCV004161242.1).